The following is an entry in ClinVar:

NM_000426.4(LAMA2):c.8569C>G (p.Gln2857Glu)

Gene: LAMA2 (laminin subunit alpha 2; plus strand). Cytogenetic location: 6q22.33.
Variant type: single nucleotide variant.
Coding change: c.8569C>G on transcript NM_000426.4 (MANE Select); coding-DNA position 8569, C replaced by G.
Protein change: p.Gln2857Glu; replaces glutamine 2857 with glutamic acid.
Molecular consequence: missense variant.
Genome position (GRCh38, 1-based): chr6:129,505,221, C>G. VCF-style: chr6-129505221-C-G. GRCh37 (hg19) VCF-style: chr6-129826366-C-G.
Other names: c.8557C>G, p.Gln2853Glu (NM_001079823.2); short protein forms Q2857E, Q2853E.
Identifiers: ClinVar variation 939045 (VCV000939045.6), dbSNP rs767799742, ClinGen allele CA3994867.
Genomic context (GRCh38, chr6:129,505,221, plus strand): 5'-GTTCAGGATTGGCATTAATGACTCCTTTCTTTTTTGTAGATTAAGATAATGAGAAGTAAG[C>G]AAGAAGGAATTCTTTATGTAGATGGGGCTTCCAACAGAACCATCAGTCCCAAAAAAGCCG-3'
Protein context (NP_000417.3, residues 2847-2867): WHKIKIMRSK[Gln2857Glu]EGILYVDGAS

ClinVar aggregate classification (germline): Uncertain significance (1 of 4 stars; one submission).

Conditions:
LAMA2-related muscular dystrophy (LAMA2-RD). Also called: Laminin alpha 2-related dystrophy. Identifiers: MedGen C5679788, MONDO:0100228.

Allele frequency attached by ClinVar (database versions not stated): gnomAD below 0.00001 and 0.00001; gnomAD exomes 0.00001 and 0.00002; ExAC 0.00003.
gnomAD v4.1: 22 of 1,613,642 alleles (0.0014%); highest among the groups gnomAD compares: South Asian, 0.024%; 1 homozygote.

Submission:

Labcorp Genetics (formerly Invitae), Labcorp
Classification: Uncertain significance for LAMA2-related muscular dystrophy. Last evaluated: 2022-09-01. Review status: criteria provided, single submitter. Criteria: Invitae Variant Classification Sherloc (09022015). Collection method: clinical testing. Allele origin: germline.
Comment: This sequence change replaces glutamine, which is neutral and polar, with glutamic acid, which is acidic and polar, at codon 2857 of the LAMA2 protein (p.Gln2857Glu). This variant is present in population databases (rs767799742, gnomAD 0.02%). This variant has not been reported in the literature in individuals affected with LAMA2-related conditions. ClinVar contains an entry for this variant (Variation ID: 939045). Advanced modeling of protein sequence and biophysical properties (such as structural, functional, and spatial information, amino acid conservation, physicochemical variation, residue mobility, and thermodynamic stability) performed at Invitae indicates that this missense variant is not expected to disrupt LAMA2 protein function. In summary, the available evidence is currently insufficient to determine the role of this variant in disease. Therefore, it has been classified as a Variant of Uncertain Significance.